The following is an entry in ClinVar:

ClinVar aggregate classification (germline): Uncertain significance (1 of 4 stars; one submission).

Conditions:
Malignant hyperthermia, susceptibility to, 1 (MHS1). Also called: RYR1-Related Malignant Hyperthermia Susceptibility; Malignant hyperthermia suceptibility 1; Anesthesia related hyperthermia; Malignant hyperpyrexia; Fulminating hyperpyrexia; Pharmacogenic myopathy. Identifiers: Orphanet 423, MedGen C2930980, MONDO:0007783, OMIM 145600.

Submission:

Color Diagnostics, LLC DBA Color Health
Classification: Uncertain significance for Malignant hyperthermia, susceptibility to, 1. Last evaluated: 2025-09-05. Review status: criteria provided, single submitter. Criteria: ACMG Guidelines, 2015. Collection method: clinical testing. Allele origin: germline.
Comment: This variant causes a G to A nucleotide substitution at the -11 position of intron 82 of the RYR1 gene. Splice site prediction tools suggest that this variant may have a significant impact on RNA splicing. To our knowledge, RNA studies have not been reported for this variant. This variant has not been reported in individuals affected with RYR1-related disorders in the literature. This variant has not been identified in the general population by the Genome Aggregation Database (gnomAD). The available evidence is insufficient to determine the role of this variant in disease conclusively. Therefore, this variant is classified as a Variant of Uncertain Significance.

NM_000540.3(RYR1):c.11591-11G>A

Gene: RYR1 (ryanodine receptor 1; plus strand). Cytogenetic location: 19q13.2.
Variant type: single nucleotide variant.
Coding change: c.11591-11G>A on transcript NM_000540.3 (MANE Select); 11 bases into the intron before coding-DNA position 11591, G replaced by A.
Molecular consequence: intron variant.
Genome position (GRCh38, 1-based): chr19:38,536,739, G>A. VCF-style: chr19-38536739-G-A. GRCh37 (hg19) VCF-style: chr19-39027379-G-A.
Other names: c.11576-11G>A (NM_001042723.2).
Identifiers: ClinVar variation 4757788 (VCV004757788.1).
Genomic context (GRCh38, chr19:38,536,739, plus strand): 5'-TTGCGGTCTGTCTCCCTCTCTTTTTCTCTCTTTTCTCCTGCTTCCTCCTCCCATCCTGTT[G>A]GCTGCCCCAGTCATCAATCGCCAGAACGGTAATTCCCCCAGCCCACCCCCGTGCTGTGCT-3'